The following is an entry in ClinVar:

ClinVar aggregate classification (germline): Uncertain significance. Review status: criteria provided, multiple submitters, no conflicts (2 of 4 stars). 2 submissions from 2 submitters: Uncertain significance (2). Last evaluated 2025-05-01.

Allele frequency attached by ClinVar (database versions not stated): TOPMed below 0.00001; gnomAD 0.00001; ExAC 0.00002; gnomAD exomes 0.00002; ESP Exome Variant Server 0.00008.

Submissions (2):

CeGaT Center for Human Genetics Tuebingen
Classification: Uncertain significance. Last evaluated: 2025-05-01. Review status: criteria provided, single submitter. Criteria: CeGaT Center For Human Genetics Tuebingen Variant Classification Criteria Version 2. Collection method: clinical testing. Allele origin: germline. Affected: yes. Observed: 1 variant allele.
Comment: COMP: PP3

Labcorp Genetics (formerly Invitae), Labcorp
Classification: Uncertain significance. Last evaluated: 2020-12-11. Review status: criteria provided, single submitter. Criteria: Invitae Variant Classification Sherloc (09022015). Collection method: clinical testing. Allele origin: germline.
Comment: This sequence change replaces methionine with threonine at codon 564 of the COMP protein (p.Met564Thr). The methionine residue is highly conserved and there is a moderate physicochemical difference between methionine and threonine. This variant is present in population databases (rs376678596, ExAC 0.003%). This variant has not been reported in the literature in individuals with COMP-related conditions. Advanced modeling of protein sequence and biophysical properties (such as structural, functional, and spatial information, amino acid conservation, physicochemical variation, residue mobility, and thermodynamic stability) performed at Invitae indicates that this missense variant is expected to disrupt COMP protein function. In summary, the available evidence is currently insufficient to determine the role of this variant in disease. Therefore, it has been classified as a Variant of Uncertain Significance.

NM_000095.3(COMP):c.1691T>C (p.Met564Thr)

Gene: COMP (cartilage oligomeric matrix protein; minus strand). Cytogenetic location: 19p13.11.
Variant type: single nucleotide variant.
Coding change: c.1691T>C on transcript NM_000095.3 (MANE Select); coding-DNA position 1691, T replaced by C.
Protein change: p.Met564Thr; replaces methionine 564 with threonine.
Molecular consequence: missense variant.
Genome position (GRCh38, 1-based): chr19:18,785,524, A>G on the plus strand (T>C on the coding strand, the complement: COMP is on the minus strand). VCF-style: chr19-18785524-A-G. GRCh37 (hg19) VCF-style: chr19-18896334-A-G.
Other names: short protein forms M564T.
Identifiers: ClinVar variation 1373645 (VCV001373645.18), dbSNP rs376678596, ClinGen allele CA9316305.